The following is an entry in ClinVar:

ClinVar aggregate classification (germline): Likely pathogenic (1 of 4 stars; one submission).

Submission:

Illumina Laboratory Services, Illumina
Classification: Likely pathogenic. Last evaluated: 2023-05-04. Review status: criteria provided, single submitter. Criteria: ICSL CNVClassificationCriteria Aug2020. Collection method: clinical testing. Allele origin: unknown.
Comment: This CNV is a 121 kb deletion of 2q32.2 on chromosome 2 (seq[GRCh37]del(2)(q32.2), NC_000002.11:g.191078575_191199676del). The CNV encompasses exons 1-11 of the HIBCH gene and is predicted to result in loss of protein function. To our knowledge, this CNV has not been reported in individuals with primary mitochondrial disorder. The 2q32.2 has not been reported in healthy controls. Based on the available evidence, this CNV is classified as likely pathogenic.

Single allele

Gene: HIBCH (3-hydroxyisobutyryl-CoA hydrolase; minus strand). Cytogenetic location: 2q32.2.
Variant type: Deletion.
Identifiers: ClinVar variation 2671599 (VCV002671599.1).